The following is an entry in ClinVar:

ClinVar aggregate classification (germline): Uncertain significance. Review status: criteria provided, multiple submitters, no conflicts (2 of 4 stars). 6 submissions from 4 submitters: Uncertain significance (6). Last evaluated 2026-07-02.

Conditions:
Inborn genetic diseases. Identifiers: MedGen C0950123, MeSH D030342.
RYR1-related disorder. Also called: RYR1-related condition; RYR1-related disorders. Identifiers: MedGen CN239331.
Malignant hyperthermia, susceptibility to, 1 (MHS1). Also called: RYR1-Related Malignant Hyperthermia Susceptibility; Anesthesia related hyperthermia; Malignant hyperpyrexia; Fulminating hyperpyrexia; Pharmacogenic myopathy; Malignant hyperthermia suceptibility 1. Identifiers: Orphanet 423, MedGen C2930980, MONDO:0007783, OMIM 145600.
Central core myopathy (CMYO1A). Also called: CONGENITAL MYOPATHY 1A, AUTOSOMAL DOMINANT, WITH SUSCEPTIBILITY TO MALIGNANT HYPERTHERMIA; Central core disease; Myopathy, central fibrillar. Identifiers: Orphanet 597, MedGen C5830701, MONDO:0007294, OMIM 117000.
Congenital multicore myopathy with external ophthalmoplegia (CMYO1B). Also called: Minicore myopathy with external ophthalmoplegia; Congenital myopathy 1B, autosomal recessive; Minicore myopathy; MULTICORE MYOPATHY; MULTIMINICORE DISEASE WITH EXTERNAL OPHTHALMOPLEGIA. Identifiers: Orphanet 598, Orphanet 98905, MedGen C1850674, MONDO:0009712, OMIM 255320, HP:0003789.

Allele frequency attached by ClinVar (database versions not stated): gnomAD 0.00001 and 0.00003; gnomAD exomes 0.00001; TOPMed 0.00002; ExAC 0.00010.
gnomAD v4.1: 9 of 1,486,084 alleles (0.00061%); highest among the groups gnomAD compares: East Asian, 0.014%; no homozygotes.

Submissions (6):

Ambry Genetics
Classification: Uncertain significance for Inborn genetic diseases. Last evaluated: 2026-07-02. Review status: criteria provided, single submitter. Criteria: Ambry Variant Classification Scheme 2023. Collection method: clinical testing. Allele origin: germline.
Comment: The p.F4363L variant (also known as c.13089C>A), located in coding exon 91 of the RYR1 gene, results from a C to A substitution at nucleotide position 13089. The phenylalanine at codon 4363 is replaced by leucine, an amino acid with highly similar properties. This amino acid position is conserved. In addition, the in silico prediction for this alteration is inconclusive. Based on the available evidence, the clinical significance of this variant remains unclear.

Labcorp Genetics (formerly Invitae), Labcorp
Classification: Uncertain significance for RYR1-related disorder. Last evaluated: 2022-08-07. Review status: criteria provided, single submitter. Criteria: Invitae Variant Classification Sherloc (09022015). Collection method: clinical testing. Allele origin: germline.
Comment: This sequence change replaces phenylalanine, which is neutral and non-polar, with leucine, which is neutral and non-polar, at codon 4363 of the RYR1 protein (p.Phe4363Leu). This variant is present in population databases (rs757097846, gnomAD 0.02%). This variant has not been reported in the literature in individuals affected with RYR1-related conditions. ClinVar contains an entry for this variant (Variation ID: 892730). Advanced modeling of protein sequence and biophysical properties (such as structural, functional, and spatial information, amino acid conservation, physicochemical variation, residue mobility, and thermodynamic stability) performed at Invitae indicates that this missense variant is not expected to disrupt RYR1 protein function. Algorithms developed to predict the effect of sequence changes on RNA splicing suggest that this variant may create or strengthen a splice site. In summary, the available evidence is currently insufficient to determine the role of this variant in disease. Therefore, it has been classified as a Variant of Uncertain Significance.

Illumina Laboratory Services, Illumina
Classification: Uncertain significance for Central core myopathy. Last evaluated: 2018-01-13. Review status: criteria provided, single submitter. Criteria: ICSL Variant Classification Criteria 13 December 2019. Collection method: clinical testing. Allele origin: germline.

Illumina Laboratory Services, Illumina
Classification: Uncertain significance for Malignant hyperthermia, susceptibility to, 1. Last evaluated: 2018-01-13. Review status: criteria provided, single submitter. Criteria: ICSL Variant Classification Criteria 13 December 2019. Collection method: clinical testing. Allele origin: germline.

Illumina Laboratory Services, Illumina
Classification: Uncertain significance for Congenital multicore myopathy with external ophthalmoplegia. Last evaluated: 2018-01-13. Review status: criteria provided, single submitter. Criteria: ICSL Variant Classification Criteria 13 December 2019. Collection method: clinical testing. Allele origin: germline.

Juno Genomics, Hangzhou Juno Genomics, Inc
Classification: Uncertain significance for Congenital multicore myopathy with external ophthalmoplegia. Review status: criteria provided, single submitter. Criteria: ACMG Guidelines, 2015. Collection method: clinical testing. Allele origin: germline.
Comment: Absent from controls (or at extremely low frequency if recessive) in Genome Aggregation Database.;Missense variant in a gene that has a low rate of benign missense variation.

NM_000540.3(RYR1):c.13089C>A (p.Phe4363Leu)

Gene: RYR1 (ryanodine receptor 1; plus strand). Cytogenetic location: 19q13.2.
Variant type: single nucleotide variant.
Coding change: c.13089C>A on transcript NM_000540.3 (MANE Select); coding-DNA position 13089, C replaced by A.
Protein change: p.Phe4363Leu; replaces phenylalanine 4363 with leucine.
Molecular consequence: missense variant.
Genome position (GRCh38, 1-based): chr19:38,565,423, C>A. VCF-style: chr19-38565423-C-A. GRCh37 (hg19) VCF-style: chr19-39056063-C-A.
Other names: c.13074C>A, p.Phe4358Leu (NM_001042723.2); short protein forms F4358L, F4363L.
Identifiers: ClinVar variation 892730 (VCV000892730.9), dbSNP rs757097846, ClinGen allele CA059563.